The following is an entry in ClinVar:

NM_006509.4(RELB):c.1480A>G (p.Thr494Ala)

Gene: RELB (RELB proto-oncogene, NF-kB subunit; plus strand). Cytogenetic location: 19q13.32.
Variant type: single nucleotide variant.
Coding change: c.1480A>G on transcript NM_006509.4 (MANE Select); coding-DNA position 1480, A replaced by G.
Protein change: p.Thr494Ala; replaces threonine 494 with alanine.
Molecular consequence: missense variant.
Genome position (GRCh38, 1-based): chr19:45,037,530, A>G. VCF-style: chr19-45037530-A-G. GRCh37 (hg19) VCF-style: chr19-45540788-A-G.
Other names: c.1471A>G, p.Thr491Ala (NM_001411087.1); short protein forms T491A, T494A.
Identifiers: ClinVar variation 1919870 (VCV001919870.5), dbSNP rs1014140743, ClinGen allele CA406309359.

ClinVar aggregate classification (germline): Uncertain significance (1 of 4 stars; one submission).

Allele frequency attached by ClinVar (database versions not stated): gnomAD exomes below 0.00001.
gnomAD v4.1: 1 of 1,613,178 alleles (0.000062%); highest among the groups gnomAD compares: Admixed American, 0.0017%; no homozygotes.

Submission:

Labcorp Genetics (formerly Invitae), Labcorp
Classification: Uncertain significance. Last evaluated: 2024-02-24. Review status: criteria provided, single submitter. Criteria: Invitae Variant Classification Sherloc (09022015). Collection method: clinical testing. Allele origin: germline.
Comment: This sequence change replaces threonine, which is neutral and polar, with alanine, which is neutral and non-polar, at codon 494 of the RELB protein (p.Thr494Ala). This variant is not present in population databases (gnomAD no frequency). This variant has not been reported in the literature in individuals affected with RELB-related conditions. ClinVar contains an entry for this variant (Variation ID: 1919870). Algorithms developed to predict the effect of missense changes on protein structure and function output the following: SIFT: "Not Available"; PolyPhen-2: "Benign"; Align-GVGD: "Not Available". The alanine amino acid residue is found in multiple mammalian species, which suggests that this missense change does not adversely affect protein function. In summary, the available evidence is currently insufficient to determine the role of this variant in disease. Therefore, it has been classified as a Variant of Uncertain Significance.